The following is an entry in ClinVar:

ClinVar aggregate classification (germline): Conflicting classifications of pathogenicity. Review status: criteria provided, conflicting classifications (1 of 4 stars). 6 submissions from 6 submitters: Uncertain significance (2); Likely benign (4). Last evaluated 2026-01-06.

Conditions:
Upshaw-Schulman syndrome (TTP). Also called: THROMBOTIC THROMBOCYTOPENIC PURPURA, HEREDITARY; Congenital thrombotic thrombocytopenic purpura. Identifiers: Orphanet 93583, MedGen C1268935, MONDO:0010122, OMIM 274150.

Allele frequency attached by ClinVar (database versions not stated): TOPMed 0.00083; ExAC 0.00098; gnomAD exomes 0.00109 and 0.00151; gnomAD 0.00112 and 0.00113; ESP Exome Variant Server 0.00131; 1000 Genomes Project 0.00140; 1000 Genomes Project 30x 0.00141.
gnomAD v4.1: 2,363 of 1,614,086 alleles (0.15%); highest among the groups gnomAD compares: Non-Finnish European, 0.18%; 2 homozygotes.

Submissions (6):

Labcorp Genetics (formerly Invitae), Labcorp
Classification: Likely benign. Last evaluated: 2026-01-06. Review status: criteria provided, single submitter. Criteria: Invitae Variant Classification Sherloc (09022015). Collection method: clinical testing. Allele origin: germline.

Women's Health and Genetics/Laboratory Corporation of America, LabCorp
Classification: Uncertain significance. Last evaluated: 2026-01-06. Review status: criteria provided, single submitter. Criteria: LabCorp Variant Classification Summary - May 2015. Collection method: clinical testing. Allele origin: germline.
Comment: Variant summary: ADAMTS13 c.2944G>A (p.Gly982Arg) results in a non-conservative amino acid change in the encoded protein sequence. Algorithms developed to predict the effect of missense changes on protein structure and function are either unavailable or do not agree on the potential impact of this missense change. The variant allele was found at a frequency of 0.0015 in 1614086 control chromosomes in the gnomAD database, including 2 homozygotes. This frequency is not significantly higher than estimated for disease-causing variants in ADAMTS13, allowing no conclusion about variant significance. c.2944G>A has been reported in the literature in individuals with suspected inherited bleeding disorders (Leinoe_2017). This report does not provide unequivocal conclusions about association of the variant with Thrombotic Thrombocytopenic Purpura. One publication reports experimental evidence evaluating an impact on protein function, however, does not allow convincing conclusions about the variant effect (example, deVries_2015). The following publications have been ascertained in the context of this evaluation (PMID: 28748566, 27802307, 34662354, 22529288, 25934476, 26089380, 19847791). ClinVar contains an entry for this variant (Variation ID: 1590075). Based on the evidence outlined above, the variant was classified as VUS-possibly benign.

Blueprint Genetics
Classification: Likely benign. Last evaluated: 2024-11-25. Review status: criteria provided, single submitter. Criteria: ACMG Guidelines, 2015. Collection method: clinical testing. Allele origin: germline.

Mayo Clinic Laboratories, Mayo Clinic
Classification: Likely benign. Last evaluated: 2024-10-26. Review status: criteria provided, single submitter. Criteria: ACMG Guidelines, 2015. Collection method: clinical testing. Allele origin: germline. Observed: 4 variant alleles.
Comment: BS1, BP4, BP5

Revvity Omics, Revvity
Classification: Uncertain significance for Upshaw-Schulman syndrome. Last evaluated: 2024-04-12. Review status: criteria provided, single submitter. Criteria: ACMG Guidelines, 2015. Collection method: clinical testing. Allele origin: germline.

Breakthrough Genomics
Classification: Likely benign. Review status: criteria provided, single submitter. Criteria: ACMG Guidelines, 2015. Collection method: not provided. Allele origin: germline. Inheritance: Autosomal recessive inheritance. Affected: yes.

Literature cited by the submitters: PubMed 28748566 (cited by Women's Health and Genetics/Laboratory Corporation of America, LabCorp); PubMed 34662354 (cited by Women's Health and Genetics/Laboratory Corporation of America, LabCorp); PubMed 27802307 (cited by Women's Health and Genetics/Laboratory Corporation of America, LabCorp); PubMed 22529288 (cited by Women's Health and Genetics/Laboratory Corporation of America, LabCorp); PubMed 26089380 (cited by Women's Health and Genetics/Laboratory Corporation of America, LabCorp); PubMed 19847791 (cited by Women's Health and Genetics/Laboratory Corporation of America, LabCorp); PubMed 25934476 (cited by Women's Health and Genetics/Laboratory Corporation of America, LabCorp).

NM_139027.6(ADAMTS13):c.2944G>A (p.Gly982Arg)

Gene: ADAMTS13 (ADAM metallopeptidase with thrombospondin type 1 motif 13; plus strand). Cytogenetic location: 9q34.2.
Variant type: single nucleotide variant.
Coding change: c.2944G>A on transcript NM_139027.6 (MANE Select); coding-DNA position 2944, G replaced by A.
Protein change: p.Gly982Arg; replaces glycine 982 with arginine.
Molecular consequence: missense variant. On other transcripts: non-coding transcript variant (1).
Genome position (GRCh38, 1-based): chr9:133,449,865, G>A. VCF-style: chr9-133449865-G-A. GRCh37 (hg19) VCF-style: chr9-136314986-G-A.
Other names: p.Gly982Arg; c.2944G>A, p.Gly982Arg (NM_139025.5); c.2851G>A, p.Gly951Arg (NM_139026.6); c.2944G>A (NM_139025.4); short protein forms G951R, G982R.
Identifiers: ClinVar variation 1590075 (VCV001590075.18), dbSNP rs36222275, ClinGen allele CA200940058.